The following is an entry in ClinVar:

NM_001369.3(DNAH5):c.2744-203dup

Genes: DNAH5 (dynein axonemal heavy chain 5; minus strand), DNAH5-AS1 (DNAH5 antisense RNA 1; plus strand). Cytogenetic location: 5p15.2.
Variant type: Duplication.
Coding change: c.2744-203dup on transcript NM_001369.3 (MANE Select); 203 bases into the intron before coding-DNA position 2744, one base duplicated (T; older notation c.2744-203dupT).
Molecular consequence: intron variant.
Genome position (GRCh38, 1-based): chr5:13,885,431, A duplicated on the plus strand (T on the coding strand, the reverse complement: DNAH5 is on the minus strand). VCF-style (leftmost placement, unchanged base first): chr5-13885430-G-GA. GRCh37 (hg19) VCF-style: chr5-13885539-G-GA.
Identifiers: ClinVar variation 1678852 (VCV001678852.2), dbSNP rs145894548, ClinGen allele CA113933248.

ClinVar aggregate classification (germline): Likely benign (1 of 4 stars; one submission).

Allele frequency attached by ClinVar (database versions not stated): gnomAD 0.01544 and 0.01658; TOPMed 0.01773; 1000 Genomes Project 0.01997; 1000 Genomes Project 30x 0.02014.

Submission:

GeneDx
Classification: Likely benign. Last evaluated: 2020-09-16. Review status: criteria provided, single submitter. Criteria: GeneDx Variant Classification Process June 2021. Collection method: clinical testing. Allele origin: germline. Affected: yes.
Comment: See Variant Classification Assertion Criteria.